The following is an entry in ClinVar:

NM_000789.4(ACE):c.1321G>A (p.Asp441Asn)

Gene: ACE (angiotensin I converting enzyme; plus strand). Cytogenetic location: 17q23.3.
Variant type: single nucleotide variant.
Coding change: c.1321G>A on transcript NM_000789.4 (MANE Select); coding-DNA position 1321, G replaced by A.
Protein change: p.Asp441Asn; replaces aspartic acid 441 with asparagine.
Molecular consequence: missense variant.
Genome position (GRCh38, 1-based): chr17:63,482,668, G>A. VCF-style: chr17-63482668-G-A. GRCh37 (hg19) VCF-style: chr17-61560029-G-A.
Other names: c.754G>A, p.Asp252Asn (NM_001382700.1); c.469G>A, p.Asp157Asn (NM_001382701.1); short protein forms D157N, D252N, D441N.
Identifiers: ClinVar variation 1920376 (VCV001920376.6), dbSNP rs770430455, ClinGen allele CA8699473.

ClinVar aggregate classification (germline): Uncertain significance. Review status: criteria provided, multiple submitters, no conflicts (2 of 4 stars). 2 submissions from 2 submitters: Uncertain significance (2). Last evaluated 2025-09-15.

Conditions:
Microvascular complications of diabetes, susceptibility to, 3. Identifiers: MedGen C2675470, MONDO:0012963, OMIM 612624.
Hemorrhage, intracerebral, susceptibility to (ICH). Also called: Stroke, hemorrhagic, susceptibility to. Identifiers: MedGen C3281105, MONDO:0100533, OMIM 614519.
Renal tubular dysgenesis of genetic origin. Also called: PRIMITIVE RENAL TUBULE SYNDROME. Identifiers: Orphanet 97369, MedGen C5681536, MONDO:0009970, OMIM 267430.

Allele frequency attached by ClinVar (database versions not stated): gnomAD exomes below 0.00001; ExAC 0.00001; TOPMed 0.00001.
gnomAD v4.1: 2 of 1,613,828 alleles (0.00012%); highest among the groups gnomAD compares: Admixed American, 0.0033%; no homozygotes.

Submissions (2):

Labcorp Genetics (formerly Invitae), Labcorp
Classification: Uncertain significance. Last evaluated: 2025-09-15. Review status: criteria provided, single submitter. Criteria: Invitae Variant Classification Sherloc (09022015). Collection method: clinical testing. Allele origin: germline.
Comment: This sequence change replaces aspartic acid, which is acidic and polar, with asparagine, which is neutral and polar, at codon 441 of the ACE protein (p.Asp441Asn). This variant is present in population databases (rs770430455, gnomAD 0.003%). This variant has not been reported in the literature in individuals affected with ACE-related conditions. ClinVar contains an entry for this variant (Variation ID: 1920376). Invitae Evidence Modeling of protein sequence and biophysical properties (such as structural, functional, and spatial information, amino acid conservation, physicochemical variation, residue mobility, and thermodynamic stability) indicates that this missense variant is not expected to disrupt ACE protein function with a negative predictive value of 80%. In summary, the available evidence is currently insufficient to determine the role of this variant in disease. Therefore, it has been classified as a Variant of Uncertain Significance.

Fulgent Genetics
Classification: Uncertain significance for Renal tubular dysgenesis of genetic origin; Microvascular complications of diabetes, susceptibility to, 3; Hemorrhage, intracerebral, susceptibility to. Last evaluated: 2023-12-28. Review status: criteria provided, single submitter. Criteria: ACMG Guidelines, 2015. Collection method: clinical testing. Allele origin: germline.